The following is an entry in ClinVar:

ClinVar aggregate classification (germline): Uncertain significance (1 of 4 stars; one submission).

Conditions:
Early-infantile DEE. Also called: Ohtahara syndrome; Early infantile epileptic encephalopathy with suppression bursts; Early infantile epileptic encephalopathy. Identifiers: Orphanet 1934, MedGen C0393706, MONDO:0800491.

Submission:

Labcorp Genetics (formerly Invitae), Labcorp
Classification: Uncertain significance for Early-infantile DEE. Last evaluated: 2020-12-20. Review status: criteria provided, single submitter. Criteria: Invitae Variant Classification Sherloc (09022015). Collection method: clinical testing. Allele origin: germline.
Comment: In summary, the available evidence is currently insufficient to determine the role of this variant in disease. Therefore, it has been classified as a Variant of Uncertain Significance. This variant has not been reported in the literature in individuals with KCNH5-related conditions. This variant is not present in population databases (ExAC no frequency). This sequence change creates a premature translational stop signal (p.Val603Trpfs*5) in the KCNH5 gene. It is expected to result in an absent or disrupted protein product. However, the current clinical and genetic evidence is not sufficient to establish whether loss-of-function variants in KCNH5 cause disease.

NM_139318.5(KCNH5):c.1807del (p.Val603fs)

Gene: KCNH5 (potassium voltage-gated channel subfamily H member 5; minus strand). Cytogenetic location: 14q23.2.
Variant type: Deletion.
Coding change: c.1807del on transcript NM_139318.5 (MANE Select); coding-DNA position 1807, one base deleted (G; older notation c.1807delG).
Protein change: p.Val603fs; shifts the reading frame from valine 603.
Molecular consequence: frameshift variant.
Genome position (GRCh38, 1-based): chr14:62,802,344, C deleted on the plus strand (G on the coding strand, the reverse complement: KCNH5 is on the minus strand); the first of 2 consecutive C bases (chr14:62,802,344-62,802,345); deleting either gives the same sequence. VCF-style (leftmost placement, unchanged base first): chr14-62802343-AC-A. GRCh37 (hg19) VCF-style: chr14-63269061-AC-A.
Other names: c.1807del, p.Val603fs (NM_172375.3); short protein forms V603fs.
Identifiers: ClinVar variation 1479933 (VCV001479933.7), dbSNP rs2139999944, ClinGen allele CA2573149991.